The following is an entry in ClinVar:

ClinVar aggregate classification (germline): Uncertain significance (1 of 4 stars; one submission).

Conditions:
BAP1-related tumor predisposition syndrome (TPDS1). Also called: BAP1 tumor predisposition syndrome; Tumor susceptibility linked to germline BAP1 mutations; COMMON Syndrome; TUMOR PREDISPOSITION SYNDROME 1. Identifiers: Orphanet 289539, MedGen C3280492, MONDO:0013692, OMIM 614327.

Submission:

Labcorp Genetics (formerly Invitae), Labcorp
Classification: Uncertain significance for BAP1-related tumor predisposition syndrome. Last evaluated: 2021-05-05. Review status: criteria provided, single submitter. Criteria: Invitae Variant Classification Sherloc (09022015). Collection method: clinical testing. Allele origin: germline.
Comment: This sequence change replaces histidine with arginine at codon 84 of the BAP1 protein (p.His84Arg). The histidine residue is highly conserved and there is a small physicochemical difference between histidine and arginine. This variant is not present in population databases (ExAC no frequency). This variant has not been reported in the literature in individuals with BAP1-related conditions. Algorithms developed to predict the effect of missense changes on protein structure and function are either unavailable or do not agree on the potential impact of this missense change (SIFT: "Tolerated"; PolyPhen-2: "Possibly Damaging"; Align-GVGD: "Class C0"). In summary, the available evidence is currently insufficient to determine the role of this variant in disease. Therefore, it has been classified as a Variant of Uncertain Significance.

NM_004656.4(BAP1):c.251A>G (p.His84Arg)

Gene: BAP1 (BRCA1 associated deubiquitinase 1; minus strand). Cytogenetic location: 3p21.1.
Variant type: single nucleotide variant.
Coding change: c.251A>G on transcript NM_004656.4 (MANE Select); coding-DNA position 251, A replaced by G.
Protein change: p.His84Arg; replaces histidine 84 with arginine.
Molecular consequence: missense variant.
Genome position (GRCh38, 1-based): chr3:52,408,478, T>C on the plus strand (A>G on the coding strand, the complement: BAP1 is on the minus strand). VCF-style: chr3-52408478-T-C. GRCh37 (hg19) VCF-style: chr3-52442494-T-C.
Other names: short protein forms H84R.
Identifiers: ClinVar variation 1351661 (VCV001351661.8), dbSNP rs2153228276, ClinGen allele CA353112866.